The following is an entry in ClinVar:

ClinVar aggregate classification (germline): Uncertain significance. Review status: criteria provided, multiple submitters, no conflicts (2 of 4 stars). 2 submissions from 2 submitters: Uncertain significance (2). Last evaluated 2026-10-06.

Conditions:
Inborn genetic diseases. Identifiers: MedGen C0950123, MeSH D030342.

gnomAD v4.1: 35 of 1,613,742 alleles (0.0022%); highest among the groups gnomAD compares: Middle Eastern, 0.033%; no homozygotes.

Submissions (2):

GeneDx
Classification: Uncertain significance. Last evaluated: 2026-10-06. Review status: criteria provided, single submitter. Criteria: GeneDx Variant Classification Process June 2021. Collection method: clinical testing. Allele origin: germline.
Comment: In silico analysis suggests that this missense variant does not alter protein structure/function; Has not been previously published as pathogenic or benign to our knowledge

Ambry Genetics
Classification: Uncertain significance for Inborn genetic diseases. Last evaluated: 2025-01-27. Review status: criteria provided, single submitter. Criteria: Ambry Variant Classification Scheme 2023. Collection method: clinical testing. Allele origin: germline.

NM_130466.4(UBE3B):c.1963C>G (p.Leu655Val)

Gene: UBE3B (ubiquitin protein ligase E3B; plus strand). Cytogenetic location: 12q24.11.
Variant type: single nucleotide variant.
Coding change: c.1963C>G on transcript NM_130466.4 (MANE Select); coding-DNA position 1963, C replaced by G.
Protein change: p.Leu655Val; replaces leucine 655 with valine.
Molecular consequence: missense variant.
Genome position (GRCh38, 1-based): chr12:109,516,771, C>G. VCF-style: chr12-109516771-C-G. GRCh37 (hg19) VCF-style: chr12-109954576-C-G.
Other names: c.1963C>G, p.Leu655Val (NM_183415.3); c.1963C>G (NM_130466.2); short protein forms L655V.
Identifiers: ClinVar variation 3369188 (VCV003369188.3).